The following is an entry in ClinVar:

NM_000051.4(ATM):c.5462G>A (p.Cys1821Tyr)

Gene: ATM (ATM serine/threonine kinase; plus strand). Cytogenetic location: 11q22.3.
Variant type: single nucleotide variant.
Coding change: c.5462G>A on transcript NM_000051.4 (MANE Select); coding-DNA position 5462, G replaced by A.
Protein change: p.Cys1821Tyr; replaces cysteine 1821 with tyrosine.
Molecular consequence: missense variant.
Genome position (GRCh38, 1-based): chr11:108,302,995, G>A. VCF-style: chr11-108302995-G-A. GRCh37 (hg19) VCF-style: chr11-108173722-G-A.
Other names: c.5462G>A, p.Cys1821Tyr (NM_001351834.2); c.5462G>A (NM_000051.3); short protein forms C1821Y.
Identifiers: ClinVar variation 1023028 (VCV001023028.10), dbSNP rs1565479431, ClinGen allele CA382544332.

ClinVar aggregate classification (germline): Uncertain significance. Review status: criteria provided, multiple submitters, no conflicts (2 of 4 stars). 2 submissions from 2 submitters: Uncertain significance (2). Last evaluated 2023-08-01.

Conditions:
Hereditary cancer-predisposing syndrome. Also called: Hereditary neoplastic syndrome; Neoplastic Syndromes, Hereditary; Tumor predisposition; Hereditary Cancer Syndrome. Identifiers: Orphanet 140162, MedGen C0027672, MeSH D009386, MONDO:0015356.
Ataxia-telangiectasia syndrome (AT). Also called: ATAXIA-TELANGIECTASIA, FRESNO VARIANT; Ataxia-telangiectasia, complementation group D; AT, COMPLEMENTATION GROUP C; Cerebello-oculocutaneous telangiectasia; Immunodeficiency with ataxia telangiectasia; Ataxia telangiectasia (A-T). Identifiers: Orphanet 100, MedGen C0004135, MONDO:0008840, OMIM 208900.

Submissions (2):

Labcorp Genetics (formerly Invitae), Labcorp
Classification: Uncertain significance for Ataxia-telangiectasia syndrome. Last evaluated: 2023-08-01. Review status: criteria provided, single submitter. Criteria: Invitae Variant Classification Sherloc (09022015). Collection method: clinical testing. Allele origin: germline.
Comment: This variant is not present in population databases (gnomAD no frequency). This sequence change replaces cysteine, which is neutral and slightly polar, with tyrosine, which is neutral and polar, at codon 1821 of the ATM protein (p.Cys1821Tyr). This variant has not been reported in the literature in individuals affected with ATM-related conditions. In summary, the available evidence is currently insufficient to determine the role of this variant in disease. Therefore, it has been classified as a Variant of Uncertain Significance. An algorithm developed to predict the effect of missense changes on protein structure and function (PolyPhen-2) suggests that this variant is likely to be tolerated. ClinVar contains an entry for this variant (Variation ID: 1023028).

Ambry Genetics
Classification: Uncertain significance for Hereditary cancer-predisposing syndrome. Last evaluated: 2022-12-04. Review status: criteria provided, single submitter. Criteria: Ambry Variant Classification Scheme 2023. Collection method: clinical testing. Allele origin: germline.
Comment: The p.C1821Y variant (also known as c.5462G>A), located in coding exon 35 of the ATM gene, results from a G to A substitution at nucleotide position 5462. The cysteine at codon 1821 is replaced by tyrosine, an amino acid with highly dissimilar properties. This amino acid position is conserved. In addition, this alteration is predicted to be tolerated by in silico analysis. Since supporting evidence is limited at this time, the clinical significance of this alteration remains unclear.